The following is an entry in ClinVar:

ClinVar aggregate classification (germline): Uncertain significance (1 of 4 stars; one submission).

Conditions:
Charcot-Marie-Tooth disease, type I (CMT1). Also called: Charcot-Marie-Tooth, Type 1; Charcot-Marie-Tooth disease type 1. Identifiers: Orphanet 65753, MedGen C0751036, MONDO:0019011.

gnomAD v4.1: 5 of 1,614,190 alleles (0.00031%); highest among the groups gnomAD compares: South Asian, 0.0033%; no homozygotes.

Submission:

Labcorp Genetics (formerly Invitae), Labcorp
Classification: Uncertain significance for Charcot-Marie-Tooth disease, type I. Last evaluated: 2024-03-14. Review status: criteria provided, single submitter. Criteria: Invitae Variant Classification Sherloc (09022015). Collection method: clinical testing. Allele origin: germline.
Comment: This sequence change replaces proline, which is neutral and non-polar, with serine, which is neutral and polar, at codon 244 of the EGR2 protein (p.Pro244Ser). This variant is present in population databases (no rsID available, gnomAD 0.0009%). This variant has not been reported in the literature in individuals affected with EGR2-related conditions. Advanced modeling of protein sequence and biophysical properties (such as structural, functional, and spatial information, amino acid conservation, physicochemical variation, residue mobility, and thermodynamic stability) performed at Invitae indicates that this missense variant is not expected to disrupt EGR2 protein function with a negative predictive value of 80%. In summary, the available evidence is currently insufficient to determine the role of this variant in disease. Therefore, it has been classified as a Variant of Uncertain Significance.

NM_000399.5(EGR2):c.730C>T (p.Pro244Ser)

Gene: EGR2 (early growth response 2; minus strand). Cytogenetic location: 10q21.3.
Variant type: single nucleotide variant.
Coding change: c.730C>T on transcript NM_000399.5 (MANE Select); coding-DNA position 730, C replaced by T.
Protein change: p.Pro244Ser; replaces proline 244 with serine.
Molecular consequence: missense variant.
Genome position (GRCh38, 1-based): chr10:62,813,908, G>A on the plus strand (C>T on the coding strand, the complement: EGR2 is on the minus strand). VCF-style: chr10-62813908-G-A. GRCh37 (hg19) VCF-style: chr10-64573668-G-A.
Other names: c.769C>T, p.Pro257Ser (NM_001410931.1); c.730C>T, p.Pro244Ser (NM_001136177.3, NM_001136178.2); c.580C>T, p.Pro194Ser (NM_001136179.3, NM_001321037.2); short protein forms P257S, P194S, P244S.
Identifiers: ClinVar variation 3699626 (VCV003699626.2).